The following is an entry in ClinVar:

NM_001365999.1(SZT2):c.8718G>A (p.Glu2906=)

Gene: SZT2 (SZT2 subunit of KICSTOR complex; plus strand). Cytogenetic location: 1p34.2.
Variant type: single nucleotide variant.
Coding change: c.8718G>A on transcript NM_001365999.1 (MANE Select); coding-DNA position 8718, G replaced by A.
Protein change: p.Glu2906=; no amino-acid change (glutamic acid 2906 retained).
Molecular consequence: synonymous variant.
Genome position (GRCh38, 1-based): chr1:43,443,689, G>A. VCF-style: chr1-43443689-G-A. GRCh37 (hg19) VCF-style: chr1-43909360-G-A.
Other names: c.8547G>A, p.Glu2849= (NM_015284.4); c.159G>A, p.Glu53= (NM_024547.1).
Identifiers: ClinVar variation 2638755 (VCV002638755.24), dbSNP rs2545857464, ClinGen allele CA417551577.

ClinVar aggregate classification (germline): Likely benign (1 of 4 stars; one submission).

Allele frequency attached by ClinVar (database versions not stated): gnomAD exomes below 0.00001.
gnomAD v4.1: 3 of 1,614,250 alleles (0.00019%); highest among the groups gnomAD compares: South Asian, 0.0011%; no homozygotes.

Submission:

CeGaT Center for Human Genetics Tuebingen
Classification: Likely benign. Last evaluated: 2022-05-01. Review status: criteria provided, single submitter. Criteria: CeGaT Center For Human Genetics Tuebingen Variant Classification Criteria Version 2. Collection method: clinical testing. Allele origin: germline. Affected: yes. Observed: 1 variant allele.
Comment: SZT2: PM2:Supporting, BP4, BP7